The following is an entry in ClinVar:

NM_001079872.2(CUL4B):c.2352T>C (p.Ile784=)

Gene: CUL4B (cullin 4B; minus strand). Cytogenetic location: Xq24.
Variant type: single nucleotide variant.
Coding change: c.2352T>C on transcript NM_001079872.2 (MANE Select); coding-DNA position 2352, T replaced by C.
Protein change: p.Ile784=; no amino-acid change (isoleucine 784 retained).
Molecular consequence: synonymous variant.
Genome position (GRCh38, 1-based): chrX:120,532,509, A>G on the plus strand (T>C on the coding strand, the complement: CUL4B is on the minus strand). VCF-style: chrX-120532509-A-G. GRCh37 (hg19) VCF-style: chrX-119666364-A-G.
Other names: c.2367T>C, p.Ile789= (NM_001330624.2); c.1818T>C, p.Ile606= (NM_001369145.1); c.2406T>C, p.Ile802= (NM_003588.4).
Identifiers: ClinVar variation 3351511 (VCV003351511.1).

ClinVar aggregate classification (germline): Likely benign (0 of 4 stars; one submission).

Conditions:
CUL4B-related disorder. Also called: CUL4B-related condition.

gnomAD v4.1: 4 of 1,205,325 alleles (0.00033%); highest among the groups gnomAD compares: African/African-American, 0.007%; no homozygotes.

Submission:

PreventionGenetics, part of Exact Sciences
Classification: Likely benign for CUL4B-related condition. Last evaluated: 2023-08-07. Review status: no assertion criteria provided. Collection method: clinical testing. Allele origin: germline.
Comment: This variant is classified as likely benign based on ACMG/AMP sequence variant interpretation guidelines (Richards et al. 2015 PMID: 25741868, with internal and published modifications).